The following is an entry in ClinVar:

ClinVar aggregate classification (germline): Likely benign (0 of 4 stars; one submission).

Conditions:
RECQL5-related disorder. Also called: RECQL5-related condition.

Allele frequency attached by ClinVar (database versions not stated): 1000 Genomes Project 30x 0.00078; 1000 Genomes Project 0.00080; ExAC 0.00088; TOPMed 0.00140; ESP Exome Variant Server 0.00141; gnomAD 0.00151.

Submission:

PreventionGenetics, part of Exact Sciences
Classification: Likely benign for RECQL5-related condition. Last evaluated: 2023-11-29. Review status: no assertion criteria provided. Collection method: clinical testing. Allele origin: germline.
Comment: This variant is classified as likely benign based on ACMG/AMP sequence variant interpretation guidelines (Richards et al. 2015 PMID: 25741868, with internal and published modifications).

NM_004259.7(RECQL5):c.2324C>T (p.Pro775Leu)

Gene: RECQL5 (RecQ like helicase 5; minus strand). Cytogenetic location: 17q25.1.
Variant type: single nucleotide variant.
Coding change: c.2324C>T on transcript NM_004259.7 (MANE Select); coding-DNA position 2324, C replaced by T.
Protein change: p.Pro775Leu; replaces proline 775 with leucine.
Molecular consequence: missense variant.
Genome position (GRCh38, 1-based): chr17:75,629,099, G>A on the plus strand (C>T on the coding strand, the complement: RECQL5 is on the minus strand). VCF-style: chr17-75629099-G-A. GRCh37 (hg19) VCF-style: chr17-73625179-G-A.
Other names: short protein forms P775L.
Identifiers: ClinVar variation 3050235 (VCV003050235.2), dbSNP rs181843598, ClinGen allele CA8767098.